The following is an entry in ClinVar:

ClinVar aggregate classification (germline): Conflicting classifications of pathogenicity. Review status: criteria provided, conflicting classifications (1 of 4 stars). 3 submissions from 3 submitters: Uncertain significance (2); Benign (1). Last evaluated 2025-03-25.

Conditions:
Familial thoracic aortic aneurysm and aortic dissection (TAAD). Also called: Thoracic aortic aneurysms and dissections. Identifiers: Orphanet 91387, MedGen C4707243, MONDO:0019625.
Ehlers-Danlos syndrome, classic type, 1 (EDSCL1). Also called: EHLERS-DANLOS SYNDROME, GRAVIS TYPE; EHLERS-DANLOS SYNDROME, SEVERE CLASSIC TYPE; Ehlers-Danlos syndrome, type 1; Ehlers-Danlos Syndrome, Classic Type, COL5A1-Related; EDS I. Identifiers: MedGen C0268335, MONDO:0019567, OMIM 130000.

Allele frequency attached by ClinVar (database versions not stated): gnomAD 0.00004 and 0.00002; TOPMed 0.00002; ExAC 0.00004.
gnomAD v4.1: 32 of 1,613,970 alleles (0.002%); highest among the groups gnomAD compares: South Asian, 0.022%; no homozygotes.

Submissions (3):

Labcorp Genetics (formerly Invitae), Labcorp
Classification: Benign for Ehlers-Danlos syndrome, classic type, 1. Last evaluated: 2025-03-25. Review status: criteria provided, single submitter. Criteria: Invitae Variant Classification Sherloc (09022015). Collection method: clinical testing. Allele origin: germline.

GeneDx
Classification: Uncertain significance. Last evaluated: 2022-03-17. Review status: criteria provided, single submitter. Criteria: GeneDx Variant Classification Process June 2021. Collection method: clinical testing. Allele origin: germline. Affected: yes.
Comment: Has not been previously published as pathogenic or benign to our knowledge; In silico analysis supports that this missense variant does not alter protein structure/function; Not located in the triple helical region, where the majority of pathogenic missense variants occur (Symoens et al., 2012; HGMD); This variant is associated with the following publications: (PMID: 22696272)

Ambry Genetics
Classification: Uncertain significance for Familial thoracic aortic aneurysm and aortic dissection. Last evaluated: 2018-10-31. Review status: criteria provided, single submitter. Criteria: Ambry Variant Classification Scheme 2023. Collection method: clinical testing. Allele origin: germline.
Comment: The p.E403V variant (also known as c.1208A>T), located in coding exon 8 of the COL5A1 gene, results from an A to T substitution at nucleotide position 1208. The glutamic acid at codon 403 is replaced by valine, an amino acid with dissimilar properties. This amino acid position is not well conserved in available vertebrate species. In addition, this alteration is predicted to be tolerated by in silico analysis. Since supporting evidence is limited at this time, the clinical significance of this alteration remains unclear.

NM_000093.5(COL5A1):c.1208A>T (p.Glu403Val)

Gene: COL5A1 (collagen type V alpha 1 chain; plus strand). Cytogenetic location: 9q34.3.
Variant type: single nucleotide variant.
Coding change: c.1208A>T on transcript NM_000093.5 (MANE Select); coding-DNA position 1208, A replaced by T.
Protein change: p.Glu403Val; replaces glutamic acid 403 with valine.
Molecular consequence: missense variant.
Genome position (GRCh38, 1-based): chr9:134,731,539, A>T. VCF-style: chr9-134731539-A-T. GRCh37 (hg19) VCF-style: chr9-137623385-A-T.
Other names: c.1208A>T, p.Glu403Val (NM_001278074.1); short protein forms E403V.
Identifiers: ClinVar variation 1443128 (VCV001443128.11), dbSNP rs752746395, ClinGen allele CA5318678.